The following is an entry in ClinVar:

NM_002541.4(OGDH):c.1188C>T (p.Gly396=)

Gene: OGDH (oxoglutarate dehydrogenase; plus strand). Cytogenetic location: 7p13.
Variant type: single nucleotide variant.
Coding change: c.1188C>T on transcript NM_002541.4 (MANE Select); coding-DNA position 1188, C replaced by T.
Protein change: p.Gly396=; no amino-acid change (glycine 396 retained).
Molecular consequence: synonymous variant.
Genome position (GRCh38, 1-based): chr7:44,676,131, C>T. VCF-style: chr7-44676131-C-T. GRCh37 (hg19) VCF-style: chr7-44715730-C-T.
Other names: c.1221C>T (NM_001363523.1); c.1188C>T, p.Gly396= (NM_001003941.3); c.1176C>T, p.Gly392= (NM_001165036.2); c.1221C>T, p.Gly407= (NM_001363523.2).
Identifiers: ClinVar variation 791078 (VCV000791078.37), dbSNP rs147519663, ClinGen allele CA4243752.
Genomic context (GRCh38, chr7:44,676,131, plus strand): 5'-CCTTGAGGCCGCTGACCCCGTGGTGATGGGCAAGACCAAAGCCGAACAGTTTTACTGTGG[C>T]GACACTGAAGGGAAAAAGGTAAGGCCCAGAGAGAGGCGTGCAAGGCAGATCGTCAAGGCC-3'
Protein context (NP_002532.2, residues 386-406): GKTKAEQFYC[Gly396=]DTEGKKVMSI

ClinVar aggregate classification (germline): Benign/Likely benign. Review status: criteria provided, multiple submitters, no conflicts (2 of 4 stars). 4 submissions from 4 submitters: Benign (1); Likely benign (2). 1 of the submissions does not count toward it. Last evaluated 2026-01-12.

Conditions:
OGDH-related disorder. Also called: OGDH-related condition.
Oxoglutaricaciduria. Identifiers: Orphanet 31, MedGen C2752074, MONDO:0008759, OMIM 203740.

Allele frequency attached by ClinVar (database versions not stated): 1000 Genomes Project 0.00040; 1000 Genomes Project 30x 0.00047; TOPMed 0.00187; gnomAD 0.00190 and 0.00193; ExAC 0.00200; gnomAD exomes 0.00201 and 0.00224; ESP Exome Variant Server 0.00208.
gnomAD v4.1: 3,515 of 1,613,988 alleles (0.22%); highest among the groups gnomAD compares: Non-Finnish European, 0.26%; 5 homozygotes.

Submissions 1 to 31 of 42:

Labcorp Genetics (formerly Invitae), Labcorp
Classification: Benign for Oxoglutaricaciduria. Last evaluated: 2026-01-12. Review status: criteria provided, single submitter. Criteria: Invitae Variant Classification Sherloc (09022015). Collection method: clinical testing. Allele origin: germline.

CeGaT Center for Human Genetics Tuebingen
Classification: Likely benign. Last evaluated: 2025-09-01. Review status: criteria provided, single submitter. Criteria: CeGaT Center For Human Genetics Tuebingen Variant Classification Criteria Version 2. Collection method: clinical testing. Allele origin: germline. Affected: yes. Observed: 4 variant alleles.
Comment: OGDH: BP4, BP7

Blueprint Genetics
Classification: Likely benign. Last evaluated: 2024-11-26. Review status: criteria provided, single submitter. Criteria: ACMG Guidelines, 2015. Collection method: clinical testing. Allele origin: germline.

PreventionGenetics, part of Exact Sciences
Classification: Likely benign for OGDH-related condition. Last evaluated: 2019-10-30. Review status: no assertion criteria provided. Collection method: clinical testing. Allele origin: germline. Not counted in ClinVar's aggregate classification.
Comment: This variant is classified as likely benign based on ACMG/AMP sequence variant interpretation guidelines (Richards et al. 2015 PMID: 25741868, with internal and published modifications).

Dr. Peter K. Rogan Lab, Western University
No classification provided (evidence only). Condition: Malignant tumor of urinary bladder. Review status: no classification provided. Collection method: in vitro. Allele origin: not applicable. Functional consequence: retained intron. Not counted in ClinVar's aggregate classification.

Dr. Peter K. Rogan Lab, Western University
No classification provided (evidence only). Condition: Malignant tumor of urinary bladder. Review status: no classification provided. Collection method: in vitro. Allele origin: not applicable. Functional consequence: retained intron. Not counted in ClinVar's aggregate classification.

Dr. Peter K. Rogan Lab, Western University
No classification provided (evidence only). Condition: Malignant tumor of urinary bladder. Review status: no classification provided. Collection method: in vitro. Allele origin: not applicable. Functional consequence: retained intron. Not counted in ClinVar's aggregate classification.

Dr. Peter K. Rogan Lab, Western University
No classification provided (evidence only). Condition: Clear cell carcinoma of kidney. Review status: no classification provided. Collection method: in vitro. Allele origin: not applicable. Functional consequence: retained intron. Not counted in ClinVar's aggregate classification.

Dr. Peter K. Rogan Lab, Western University
No classification provided (evidence only). Condition: Lung cancer. Review status: no classification provided. Collection method: in vitro. Allele origin: not applicable. Functional consequence: retained intron. Not counted in ClinVar's aggregate classification.

Dr. Peter K. Rogan Lab, Western University
No classification provided (evidence only). Condition: Lung cancer. Review status: no classification provided. Collection method: in vitro. Allele origin: not applicable. Functional consequence: retained intron. Not counted in ClinVar's aggregate classification.

Dr. Peter K. Rogan Lab, Western University
No classification provided (evidence only). Condition: Familial cancer of breast. Review status: no classification provided. Collection method: in vitro. Allele origin: not applicable. Functional consequence: retained intron. Not counted in ClinVar's aggregate classification.

Dr. Peter K. Rogan Lab, Western University
No classification provided (evidence only). Condition: Familial cancer of breast. Review status: no classification provided. Collection method: in vitro. Allele origin: not applicable. Functional consequence: retained intron. Not counted in ClinVar's aggregate classification.

Dr. Peter K. Rogan Lab, Western University
No classification provided (evidence only). Condition: Familial cancer of breast. Review status: no classification provided. Collection method: in vitro. Allele origin: not applicable. Functional consequence: retained intron. Not counted in ClinVar's aggregate classification.

Dr. Peter K. Rogan Lab, Western University
No classification provided (evidence only). Condition: Familial cancer of breast. Review status: no classification provided. Collection method: in vitro. Allele origin: not applicable. Functional consequence: retained intron. Not counted in ClinVar's aggregate classification.

Dr. Peter K. Rogan Lab, Western University
No classification provided (evidence only). Condition: Colon adenocarcinoma. Review status: no classification provided. Collection method: in vitro. Allele origin: not applicable. Functional consequence: retained intron. Not counted in ClinVar's aggregate classification.

Dr. Peter K. Rogan Lab, Western University
No classification provided (evidence only). Condition: Colon adenocarcinoma. Review status: no classification provided. Collection method: in vitro. Allele origin: not applicable. Functional consequence: retained intron. Not counted in ClinVar's aggregate classification.

Dr. Peter K. Rogan Lab, Western University
No classification provided (evidence only). Condition: Colon adenocarcinoma. Review status: no classification provided. Collection method: in vitro. Allele origin: not applicable. Functional consequence: retained intron. Not counted in ClinVar's aggregate classification.

Dr. Peter K. Rogan Lab, Western University
No classification provided (evidence only). Condition: Colorectal cancer. Review status: no classification provided. Collection method: in vitro. Allele origin: not applicable. Functional consequence: retained intron. Not counted in ClinVar's aggregate classification.

Dr. Peter K. Rogan Lab, Western University
No classification provided (evidence only). Condition: Colorectal cancer. Review status: no classification provided. Collection method: in vitro. Allele origin: not applicable. Functional consequence: retained intron. Not counted in ClinVar's aggregate classification.

Dr. Peter K. Rogan Lab, Western University
No classification provided (evidence only). Condition: Colorectal cancer. Review status: no classification provided. Collection method: in vitro. Allele origin: not applicable. Functional consequence: retained intron. Not counted in ClinVar's aggregate classification.

Dr. Peter K. Rogan Lab, Western University
No classification provided (evidence only). Condition: Colorectal cancer. Review status: no classification provided. Collection method: in vitro. Allele origin: not applicable. Functional consequence: retained intron. Not counted in ClinVar's aggregate classification.

Dr. Peter K. Rogan Lab, Western University
No classification provided (evidence only). Condition: Colorectal cancer. Review status: no classification provided. Collection method: in vitro. Allele origin: not applicable. Functional consequence: retained intron. Not counted in ClinVar's aggregate classification.

Dr. Peter K. Rogan Lab, Western University
No classification provided (evidence only). Condition: Colorectal cancer. Review status: no classification provided. Collection method: in vitro. Allele origin: not applicable. Functional consequence: retained intron. Not counted in ClinVar's aggregate classification.

Dr. Peter K. Rogan Lab, Western University
No classification provided (evidence only). Condition: Thyroid cancer, nonmedullary, 1. Review status: no classification provided. Collection method: in vitro. Allele origin: not applicable. Functional consequence: retained intron. Not counted in ClinVar's aggregate classification.

Dr. Peter K. Rogan Lab, Western University
No classification provided (evidence only). Condition: Cervical cancer. Review status: no classification provided. Collection method: in vitro. Allele origin: not applicable. Functional consequence: retained intron. Not counted in ClinVar's aggregate classification.

Dr. Peter K. Rogan Lab, Western University
No classification provided (evidence only). Condition: Cervical cancer. Review status: no classification provided. Collection method: in vitro. Allele origin: not applicable. Functional consequence: retained intron. Not counted in ClinVar's aggregate classification.

Dr. Peter K. Rogan Lab, Western University
No classification provided (evidence only). Condition: Cervical cancer. Review status: no classification provided. Collection method: in vitro. Allele origin: not applicable. Functional consequence: retained intron. Not counted in ClinVar's aggregate classification.

Dr. Peter K. Rogan Lab, Western University
No classification provided (evidence only). Condition: Sarcoma. Review status: no classification provided. Collection method: in vitro. Allele origin: not applicable. Functional consequence: retained intron. Not counted in ClinVar's aggregate classification.

Dr. Peter K. Rogan Lab, Western University
No classification provided (evidence only). Condition: Hepatocellular carcinoma. Review status: no classification provided. Collection method: in vitro. Allele origin: not applicable. Functional consequence: retained intron. Not counted in ClinVar's aggregate classification.

Dr. Peter K. Rogan Lab, Western University
No classification provided (evidence only). Condition: Nonpapillary renal cell carcinoma. Review status: no classification provided. Collection method: in vitro. Allele origin: not applicable. Functional consequence: retained intron. Not counted in ClinVar's aggregate classification.

Dr. Peter K. Rogan Lab, Western University
No classification provided (evidence only). Condition: Thymoma. Review status: no classification provided. Collection method: in vitro. Allele origin: not applicable. Functional consequence: retained intron. Not counted in ClinVar's aggregate classification.